The following is an entry in ClinVar:

ClinVar aggregate classification (germline): Uncertain significance (1 of 4 stars; one submission).

Submission:

GeneDx
Classification: Uncertain significance. Last evaluated: 2022-05-26. Review status: criteria provided, single submitter. Criteria: GeneDx Variant Classification Process June 2021. Collection method: clinical testing. Allele origin: germline. Affected: yes.
Comment: Not observed at significant frequency in large population cohorts (gnomAD); In silico analysis supports that this missense variant does not alter protein structure/function; Has not been previously published as pathogenic or benign to our knowledge

NM_032217.5(ANKRD17):c.2726T>A (p.Leu909Gln)

Gene: ANKRD17 (ankyrin repeat domain 17; minus strand). Cytogenetic location: 4q13.3.
Variant type: single nucleotide variant.
Coding change: c.2726T>A on transcript NM_032217.5 (MANE Select); coding-DNA position 2726, T replaced by A.
Protein change: p.Leu909Gln; replaces leucine 909 with glutamine.
Molecular consequence: missense variant. On other transcripts: intron variant (1).
Genome position (GRCh38, 1-based): chr4:73,139,890, A>T on the plus strand (T>A on the coding strand, the complement: ANKRD17 is on the minus strand). VCF-style: chr4-73139890-A-T. GRCh37 (hg19) VCF-style: chr4-74005607-A-T.
Other names: c.2387T>A, p.Leu796Gln (NM_001286771.3); c.2726T>A, p.Leu909Gln (NM_015574.2); c.2332+1851T>A (NM_198889.3); short protein forms L796Q, L909Q.
Identifiers: ClinVar variation 1806808 (VCV001806808.1), dbSNP rs2530968976, ClinGen allele CA357221962.